The following is an entry in ClinVar:

NM_004104.5(FASN):c.6427G>C (p.Val2143Leu)

Gene: FASN (fatty acid synthase; minus strand). Cytogenetic location: 17q25.3.
Variant type: single nucleotide variant.
Coding change: c.6427G>C on transcript NM_004104.5 (MANE Select); coding-DNA position 6427, G replaced by C.
Protein change: p.Val2143Leu; replaces valine 2143 with leucine.
Molecular consequence: missense variant.
Genome position (GRCh38, 1-based): chr17:82,081,332, C>G on the plus strand (G>C on the coding strand, the complement: FASN is on the minus strand). VCF-style: chr17-82081332-C-G. GRCh37 (hg19) VCF-style: chr17-80039208-C-G.
Other names: short protein forms V2143L.
Identifiers: ClinVar variation 2790486 (VCV002790486.3), dbSNP rs867068717, ClinGen allele CA401600480.

ClinVar aggregate classification (germline): Uncertain significance (1 of 4 stars; one submission).

Conditions:
Epileptic encephalopathy. Identifiers: MedGen C0543888, HP:0200134.

Submission:

Labcorp Genetics (formerly Invitae), Labcorp
Classification: Uncertain significance for Epileptic encephalopathy. Last evaluated: 2024-07-03. Review status: criteria provided, single submitter. Criteria: Invitae Variant Classification Sherloc (09022015). Collection method: clinical testing. Allele origin: germline.
Comment: This sequence change replaces valine, which is neutral and non-polar, with leucine, which is neutral and non-polar, at codon 2143 of the FASN protein (p.Val2143Leu). This variant is not present in population databases (gnomAD no frequency). This variant has not been reported in the literature in individuals affected with FASN-related conditions. Algorithms developed to predict the effect of missense changes on protein structure and function output the following: SIFT: "Not Available"; PolyPhen-2: "Benign"; Align-GVGD: "Not Available". The leucine amino acid residue is found in multiple mammalian species, which suggests that this missense change does not adversely affect protein function. In summary, the available evidence is currently insufficient to determine the role of this variant in disease. Therefore, it has been classified as a Variant of Uncertain Significance.